The following is an entry in ClinVar:

ClinVar aggregate classification (germline): Uncertain significance. Review status: criteria provided, multiple submitters, no conflicts (2 of 4 stars). 2 submissions from 2 submitters: Uncertain significance (2). Last evaluated 2025-07-09.

Conditions:
Autoinflammatory syndrome. Identifiers: Orphanet 93665, MedGen C3890737, MONDO:0019751.
Psoriasis 2. Identifiers: MedGen C1864497, MONDO:0011269, OMIM 602723.
Pityriasis rubra pilaris (PRP). Also called: Pityriasis rubra pilaris--familial type. Identifiers: Orphanet 2897, MedGen C0032027, MONDO:0100017, OMIM 173200, MONDO:0008251.

Allele frequency attached by ClinVar (database versions not stated): ExAC 0.00002; gnomAD exomes 0.00002 and 0.00003; gnomAD 0.00003; TOPMed 0.00005; ESP Exome Variant Server 0.00015.
gnomAD v4.1: 49 of 1,613,540 alleles (0.003%); highest among the groups gnomAD compares: African/African-American, 0.0053%; no homozygotes.

Submissions (2):

Labcorp Genetics (formerly Invitae), Labcorp
Classification: Uncertain significance for Pityriasis rubra pilaris; Psoriasis 2. Last evaluated: 2025-07-09. Review status: criteria provided, single submitter. Criteria: Invitae Variant Classification Sherloc (09022015). Collection method: clinical testing. Allele origin: germline.
Comment: This sequence change replaces valine, which is neutral and non-polar, with isoleucine, which is neutral and non-polar, at codon 705 of the CARD14 protein (p.Val705Ile). This variant is present in population databases (rs148788573, gnomAD 0.01%). This missense change has been observed in individual(s) with generalized pustular psoriasis (PMID: 36348983). ClinVar contains an entry for this variant (Variation ID: 1694234). Invitae Evidence Modeling of protein sequence and biophysical properties (such as structural, functional, and spatial information, amino acid conservation, physicochemical variation, residue mobility, and thermodynamic stability) indicates that this missense variant is not expected to disrupt CARD14 protein function with a negative predictive value of 95%. In summary, the available evidence is currently insufficient to determine the role of this variant in disease. Therefore, it has been classified as a Variant of Uncertain Significance.

Genome Diagnostics Laboratory, The Hospital for Sick Children
Classification: Uncertain significance for Autoinflammatory syndrome. Last evaluated: 2021-10-08. Review status: criteria provided, single submitter. Criteria: ACMG Guidelines, 2015. Collection method: clinical testing. Allele origin: germline. Affected: yes.

Literature cited by the submitters: PubMed 36348983 (cited by Labcorp Genetics (formerly Invitae), Labcorp).

NM_001366385.1(CARD14):c.2113G>A (p.Val705Ile)

Genes: SGSH (N-sulfoglucosamine sulfohydrolase; minus strand), CARD14 (caspase recruitment domain family member 14; plus strand). Cytogenetic location: 17q25.3.
Variant type: single nucleotide variant.
Coding change: c.2113G>A on transcript NM_001366385.1 (MANE Select); coding-DNA position 2113, G replaced by A.
Protein change: p.Val705Ile; replaces valine 705 with isoleucine.
Molecular consequence: missense variant. On other transcripts: non-coding transcript variant (1).
Genome position (GRCh38, 1-based): chr17:80,202,314, G>A. VCF-style: chr17-80202314-G-A. GRCh37 (hg19) VCF-style: chr17-78176113-G-A.
Other names: c.2113G>A, p.Val705Ile (NM_001257970.1, NM_024110.4); short protein forms V705I.
Identifiers: ClinVar variation 1694234 (VCV001694234.6), dbSNP rs148788573, ClinGen allele CA8817183.
Genomic context (GRCh38, chr17:80,202,314, plus strand): 5'-CTGGCCATGGAGGGCAGGGCCAAAGGGGAGCTGCAGGTGCATTGCAACGAGGTCCTGCAC[G>A]TCACCGACACCATGTTCCAGGGCTGCGGCTGCTGGCATGCCCACCGCGTGAACTCTTACA-3'
Protein context (NP_001353314.1, residues 695-715): LQVHCNEVLH[Val705Ile]TDTMFQGCGC